The following is an entry in ClinVar:

ClinVar aggregate classification (germline): Uncertain significance. Review status: criteria provided, multiple submitters, no conflicts (2 of 4 stars). 2 submissions from 2 submitters: Uncertain significance (2). Last evaluated 2023-06-08.

Conditions:
Alpha thalassemia-X-linked intellectual disability syndrome (ATRX). Also called: ALPHA-THALASSEMIA/IMPAIRED INTELLECTUAL DEVELOPMENT SYNDROME, X-LINKED; ALPHA-THALASSEMIA/MENTAL RETARDATION SYNDROME, X-LINKED; ATR, NONDELETION TYPE; X-linked alpha-thalassemia-mental retardation syndrome; ATR-X syndrome; Alpha thalassemia mental retardation syndrome, nondeletion type, X-linked. Identifiers: Orphanet 847, MedGen C1845055, MONDO:0010519, OMIM 301040.

Submissions (2):

GeneDx
Classification: Uncertain significance. Last evaluated: 2023-06-08. Review status: criteria provided, single submitter. Criteria: GeneDx Variant Classification Process June 2021. Collection method: clinical testing. Allele origin: germline. Affected: yes.
Comment: Not observed at significant frequency in large population cohorts (gnomAD); In silico analysis supports that this missense variant does not alter protein structure/function; Has not been previously published as pathogenic or benign to our knowledge

Labcorp Genetics (formerly Invitae), Labcorp
Classification: Uncertain significance for Alpha thalassemia-X-linked intellectual disability syndrome. Last evaluated: 2022-08-19. Review status: criteria provided, single submitter. Criteria: Invitae Variant Classification Sherloc (09022015). Collection method: clinical testing. Allele origin: germline.
Comment: This sequence change replaces isoleucine, which is neutral and non-polar, with threonine, which is neutral and polar, at codon 831 of the ATRX protein (p.Ile831Thr). This variant is not present in population databases (gnomAD no frequency). This variant has not been reported in the literature in individuals affected with ATRX-related conditions. ClinVar contains an entry for this variant (Variation ID: 643614). Algorithms developed to predict the effect of missense changes on protein structure and function are either unavailable or do not agree on the potential impact of this missense change (SIFT: "Tolerated"; PolyPhen-2: "Probably Damaging"; Align-GVGD: "Class C0"). In summary, the available evidence is currently insufficient to determine the role of this variant in disease. Therefore, it has been classified as a Variant of Uncertain Significance.

NM_000489.6(ATRX):c.2492T>C (p.Ile831Thr)

Gene: ATRX (ATRX chromatin remodeler; minus strand). Cytogenetic location: Xq21.1.
Variant type: single nucleotide variant.
Coding change: c.2492T>C on transcript NM_000489.6 (MANE Select); coding-DNA position 2492, T replaced by C.
Protein change: p.Ile831Thr; replaces isoleucine 831 with threonine.
Molecular consequence: missense variant.
Genome position (GRCh38, 1-based): chrX:77,682,764, A>G on the plus strand (T>C on the coding strand, the complement: ATRX is on the minus strand). VCF-style: chrX-77682764-A-G. GRCh37 (hg19) VCF-style: chrX-76938256-A-G.
Other names: c.2492T>C (NM_000489.3); c.2378T>C, p.Ile793Thr (NM_138270.5); short protein forms I831T, I793T.
Identifiers: ClinVar variation 643614 (VCV000643614.7), dbSNP rs1603220048, ClinGen allele CA413712146.